The following is an entry in ClinVar:

ClinVar aggregate classification (germline): Uncertain significance (1 of 4 stars; one submission).

Conditions:
Hereditary cancer-predisposing syndrome. Also called: Tumor predisposition; Neoplastic Syndromes, Hereditary; Hereditary neoplastic syndrome; Hereditary Cancer Syndrome. Identifiers: Orphanet 140162, MedGen C0027672, MeSH D009386, MONDO:0015356.

Submission:

Ambry Genetics
Classification: Uncertain significance for Hereditary cancer-predisposing syndrome. Last evaluated: 2024-11-29. Review status: criteria provided, single submitter. Criteria: Ambry Variant Classification Scheme 2023. Collection method: clinical testing. Allele origin: germline.
Comment: The p.H107N variant (also known as c.319C>A), located in coding exon 2 of the STK11 gene, results from a C to A substitution at nucleotide position 319. The histidine at codon 107 is replaced by asparagine, an amino acid with similar properties. This amino acid position is highly conserved in available vertebrate species. In addition, the in silico prediction for this alteration is inconclusive. Based on the available evidence, the clinical significance of this variant remains unclear.

NM_000455.5(STK11):c.319C>A (p.His107Asn)

Gene: STK11 (serine/threonine kinase 11; plus strand). Cytogenetic location: 19p13.3.
Variant type: single nucleotide variant.
Coding change: c.319C>A on transcript NM_000455.5 (MANE Select); coding-DNA position 319, C replaced by A.
Protein change: p.His107Asn; replaces histidine 107 with asparagine.
Molecular consequence: missense variant. On other transcripts: non-coding transcript variant (1).
Genome position (GRCh38, 1-based): chr19:1,218,445, C>A. VCF-style: chr19-1218445-C-A. GRCh37 (hg19) VCF-style: chr19-1218444-C-A.
Other names: c.319C>A, p.His107Asn (NM_001407255.1); short protein forms H107N.
Identifiers: ClinVar variation 3450586 (VCV003450586.1).
Genomic context (GRCh38, chr19:1,218,445, plus strand): 5'-CGGCTGATACACCCCTGTCCTCTCTGTCCCAGGGAAATTCAACTACTGAGGAGGTTACGG[C>A]ACAAAAATGTCATCCAGCTGGTGGATGTGTTATACAACGAAGAGAAGCAGAAAATATATC-3'
Protein context (NP_000446.1, residues 97-117): KEIQLLRRLR[His107Asn]KNVIQLVDVL